The following is an entry in ClinVar:

NM_000361.3(THBD):c.1500G>T (p.Thr500=)

Gene: THBD (thrombomodulin; minus strand). Cytogenetic location: 20p11.21.
Variant type: single nucleotide variant.
Coding change: c.1500G>T on transcript NM_000361.3 (MANE Select); coding-DNA position 1500, G replaced by T.
Protein change: p.Thr500=; no amino-acid change (threonine 500 retained).
Molecular consequence: synonymous variant.
Genome position (GRCh38, 1-based): chr20:23,048,005, C>A on the plus strand (G>T on the coding strand, the complement: THBD is on the minus strand). VCF-style: chr20-23048005-C-A. GRCh37 (hg19) VCF-style: chr20-23028642-C-A.
Identifiers: ClinVar variation 3715172 (VCV003715172.3), dbSNP rs921671166.

ClinVar aggregate classification (germline): Conflicting classifications of pathogenicity. Review status: criteria provided, conflicting classifications (1 of 4 stars). 2 submissions from 2 submitters: Uncertain significance (1); Likely benign (1). Last evaluated 2025-09-04.

Allele frequency attached by ClinVar (database versions not stated): gnomAD exomes below 0.00001; gnomAD 0.00003.
gnomAD v4.1: 30 of 1,608,514 alleles (0.0019%); highest among the groups gnomAD compares: African/African-American, 0.0027%; no homozygotes.

Submissions (2):

Labcorp Genetics (formerly Invitae), Labcorp
Classification: Uncertain significance. Last evaluated: 2025-09-04. Review status: criteria provided, single submitter. Criteria: Invitae Variant Classification Sherloc (09022015). Collection method: clinical testing. Allele origin: germline.
Comment: This sequence change affects codon 500 of the THBD mRNA. It is a 'silent' change, meaning that it does not change the encoded amino acid sequence of the THBD protein. The frequency data for this variant in the population databases is considered unreliable, as metrics indicate poor data quality at this position in the gnomAD database. This variant has not been reported in the literature in individuals affected with THBD-related conditions. ClinVar contains an entry for this variant (Variation ID: 3715172). In summary, the available evidence is currently insufficient to determine the role of this variant in disease. Therefore, it has been classified as a Variant of Uncertain Significance.

Blueprint Genetics
Classification: Likely benign. Last evaluated: 2024-01-30. Review status: criteria provided, single submitter. Criteria: ACMG Guidelines, 2015. Collection method: clinical testing. Allele origin: germline.